The following is an entry in ClinVar:

NM_206933.4(USH2A):c.12462T>C (p.Pro4154=)

Gene: USH2A (usherin; minus strand). Cytogenetic location: 1q41.
Variant type: single nucleotide variant.
Coding change: c.12462T>C on transcript NM_206933.4 (MANE Select); coding-DNA position 12462, T replaced by C.
Protein change: p.Pro4154=; no amino-acid change (proline 4154 retained).
Molecular consequence: synonymous variant.
Genome position (GRCh38, 1-based): chr1:215,675,449, A>G on the plus strand (T>C on the coding strand, the complement: USH2A is on the minus strand). VCF-style: chr1-215675449-A-G. GRCh37 (hg19) VCF-style: chr1-215848791-A-G.
Identifiers: ClinVar variation 166436 (VCV000166436.5), dbSNP rs727503717, ClinGen allele CA179515.

ClinVar aggregate classification (germline): Likely benign (1 of 4 stars; one submission).

Allele frequency attached by ClinVar (database versions not stated): gnomAD exomes below 0.00001.
gnomAD v4.1: 1 of 1,613,984 alleles (0.000062%); highest among the groups gnomAD compares: Non-Finnish European, 0.000085%; no homozygotes.

Submission:

Laboratory for Molecular Medicine, Mass General Brigham Personalized Medicine
Classification: Likely benign. Last evaluated: 2013-06-11. Review status: criteria provided, single submitter. Criteria: LMM Criteria. Collection method: clinical testing. Allele origin: germline. Observed: 1 variant allele.
Comment: Pro4154Pro in exon 63 of USH2A: This variant is not expected to have clinical si gnificance because it does not alter an amino acid residue and it is not located within the splice consensus sequence.